The following is an entry in ClinVar:

ClinVar aggregate classification (germline): Likely benign. Review status: criteria provided, multiple submitters, no conflicts (2 of 4 stars). 2 submissions from 2 submitters: Likely benign (2). Last evaluated 2026-09-01.

Conditions:
Charcot-Marie-Tooth disease dominant intermediate C (CMTDIC). Also called: CHARCOT-MARIE-TOOTH NEUROPATHY, DOMINANT INTERMEDIATE C. Identifiers: Orphanet 100045, MedGen C1842237, MONDO:0012012, OMIM 608323.

Allele frequency attached by ClinVar (database versions not stated): gnomAD exomes below 0.00001; TOPMed below 0.00001.
gnomAD v4.1: 2 of 1,614,132 alleles (0.00012%); highest among the groups gnomAD compares: Admixed American, 0.0033%; no homozygotes.

Submissions (2):

CeGaT Center for Human Genetics Tuebingen
Classification: Likely benign. Last evaluated: 2026-09-01. Review status: criteria provided, single submitter. Criteria: CeGaT Center For Human Genetics Tuebingen Variant Classification Criteria Version 2. Collection method: clinical testing. Allele origin: germline. Affected: yes. Observed: 1 variant allele.
Comment: YARS1: BP4, BP7

Labcorp Genetics (formerly Invitae), Labcorp
Classification: Likely benign for Charcot-Marie-Tooth disease dominant intermediate C. Last evaluated: 2023-12-16. Review status: criteria provided, single submitter. Criteria: Invitae Variant Classification Sherloc (09022015). Collection method: clinical testing. Allele origin: germline.

NM_003680.4(YARS1):c.1185G>A (p.Gly395=)

Gene: YARS1 (tyrosyl-tRNA synthetase 1; minus strand). Cytogenetic location: 1p35.1.
Variant type: single nucleotide variant.
Coding change: c.1185G>A on transcript NM_003680.4 (MANE Select); coding-DNA position 1185, G replaced by A.
Protein change: p.Gly395=; no amino-acid change (glycine 395 retained).
Molecular consequence: synonymous variant.
Genome position (GRCh38, 1-based): chr1:32,780,234, C>T on the plus strand (G>A on the coding strand, the complement: YARS1 is on the minus strand). VCF-style: chr1-32780234-C-T. GRCh37 (hg19) VCF-style: chr1-33245835-C-T.
Identifiers: ClinVar variation 2738188 (VCV002738188.4), dbSNP rs1185333126, ClinGen allele CA417064667.